The following is an entry in ClinVar:

NM_197968.4(ZMYM2):c.1898G>A (p.Ser633Asn)

Gene: ZMYM2 (zinc finger MYM-type containing 2; plus strand). Cytogenetic location: 13q12.11.
Variant type: single nucleotide variant.
Coding change: c.1898G>A on transcript NM_197968.4 (MANE Select); coding-DNA position 1898, G replaced by A.
Protein change: p.Ser633Asn; replaces serine 633 with asparagine.
Molecular consequence: missense variant. On other transcripts: non-coding transcript variant (1).
Genome position (GRCh38, 1-based): chr13:20,031,365, G>A. VCF-style: chr13-20031365-G-A. GRCh37 (hg19) VCF-style: chr13-20605505-G-A.
Other names: c.1898G>A, p.Ser633Asn (NM_001190964.4, NM_001190965.4, NM_001353157.2 and 5 more transcripts); c.1703G>A, p.Ser568Asn (NM_001353161.3); c.1637G>A, p.Ser546Asn (NM_001353163.2); short protein forms S546N, S568N, S633N.
Identifiers: ClinVar variation 2633392 (VCV002633392.1), dbSNP rs372402171, ClinGen allele CA6903454.

ClinVar aggregate classification (germline): Uncertain significance (1 of 4 stars; one submission).

Conditions:
ZMYM2-related disorder. Also called: ZMYM2-related condition.

Allele frequency attached by ClinVar (database versions not stated): ESP Exome Variant Server 0.00008.
gnomAD v4.1: 3 of 1,608,162 alleles (0.00019%); highest among the groups gnomAD compares: Non-Finnish European, 0.00025%; no homozygotes.

Submission:

PreventionGenetics, part of Exact Sciences
Classification: Uncertain significance for ZMYM2-related condition. Last evaluated: 2023-04-07. Review status: criteria provided, single submitter. Criteria: ACMG Guidelines, 2015. Collection method: clinical testing. Allele origin: germline.
Comment: The ZMYM2 c.1898G>A variant is predicted to result in the amino acid substitution p.Ser633Asn. To our knowledge, this variant has not been reported in the literature. This variant is reported in 0.00090% of alleles in individuals of European (Non-Finnish) descent in gnomAD. At this time, the clinical significance of this variant is uncertain due to the absence of conclusive functional and genetic evidence.